The following is an entry in ClinVar:

ClinVar aggregate classification (germline): Conflicting classifications of pathogenicity. Review status: criteria provided, conflicting classifications (1 of 4 stars). 2 submissions from 2 submitters: Uncertain significance (1); Likely benign (1). Last evaluated 2025-12-21.

Conditions:
Inborn genetic diseases. Identifiers: MedGen C0950123, MeSH D030342.

Allele frequency attached by ClinVar (database versions not stated): TOPMed 0.00025; ESP Exome Variant Server 0.00038.

Submissions (2):

Labcorp Genetics (formerly Invitae), Labcorp
Classification: Likely benign. Last evaluated: 2025-12-21. Review status: criteria provided, single submitter. Criteria: Invitae Variant Classification Sherloc (09022015). Collection method: clinical testing. Allele origin: germline.

Ambry Genetics
Classification: Uncertain significance for Inborn genetic diseases. Last evaluated: 2020-11-04. Review status: criteria provided, single submitter. Criteria: Ambry Variant Classification Scheme 2023. Collection method: clinical testing. Allele origin: germline.
Comment: The c.2005G>C (p.V669L) alteration is located in exon 17 (coding exon 15) of the ADAMTS10 gene. This alteration results from a G to C substitution at nucleotide position 2005, causing the valine (V) at amino acid position 669 to be replaced by a leucine (L). Based on data from the Genome Aggregation Database (gnomAD) database, the ADAMTS10 c.2005G>C alteration was observed in 0.02% (50/281942) of total alleles studied, with a frequency of 0.04% (49/128722) in the European (non-Finnish) subpopulation, including one homozygote. This amino acid position is not well conserved in available vertebrate species. The p.V669L alteration is predicted to be tolerated by in silico analysis. Based on insufficient or conflicting evidence, the clinical significance of this alteration remains unclear.

NM_030957.4(ADAMTS10):c.2005G>C (p.Val669Leu)

Gene: ADAMTS10 (ADAM metallopeptidase with thrombospondin type 1 motif 10; minus strand). Cytogenetic location: 19p13.2.
Variant type: single nucleotide variant.
Coding change: c.2005G>C on transcript NM_030957.4 (MANE Select); coding-DNA position 2005, G replaced by C.
Protein change: p.Val669Leu; replaces valine 669 with leucine.
Molecular consequence: missense variant.
Genome position (GRCh38, 1-based): chr19:8,589,481, C>G on the plus strand (G>C on the coding strand, the complement: ADAMTS10 is on the minus strand). VCF-style: chr19-8589481-C-G. GRCh37 (hg19) VCF-style: chr19-8654365-C-G.
Other names: c.2005G>C (NM_030957.2); c.466G>C, p.Val156Leu (NM_001282352.2); short protein forms V669L, V156L.
Identifiers: ClinVar variation 747056 (VCV000747056.11), dbSNP rs144596955, ClinGen allele CA9160280.